The following is an entry in ClinVar:

NM_020964.3(EPG5):c.328A>G (p.Arg110Gly)

Gene: EPG5 (ectopic P-granules 5 autophagy tethering factor; minus strand). Cytogenetic location: 18q21.1.
Variant type: single nucleotide variant.
Coding change: c.328A>G on transcript NM_020964.3 (MANE Select); coding-DNA position 328, A replaced by G.
Protein change: p.Arg110Gly; replaces arginine 110 with glycine.
Molecular consequence: missense variant.
Genome position (GRCh38, 1-based): chr18:45,955,074, T>C on the plus strand (A>G on the coding strand, the complement: EPG5 is on the minus strand). VCF-style: chr18-45955074-T-C. GRCh37 (hg19) VCF-style: chr18-43535040-T-C.
Other names: c.328A>G, p.Arg110Gly (LRG_1234t1); short protein forms R110G.
Identifiers: ClinVar variation 664038 (VCV000664038.6), dbSNP rs761327582, ClinGen allele CA8949971.

ClinVar aggregate classification (germline): Uncertain significance. Review status: criteria provided, multiple submitters, no conflicts (2 of 4 stars). 2 submissions from 2 submitters: Uncertain significance (2). Last evaluated 2024-12-02.

Conditions:
Inborn genetic diseases. Identifiers: MedGen C0950123, MeSH D030342.
Vici syndrome (VICIS). Identifiers: Orphanet 1493, MedGen C1855772, MONDO:0009452, OMIM 242840.

Allele frequency attached by ClinVar (database versions not stated): ExAC 0.00002; gnomAD 0.00004; TOPMed 0.00004; gnomAD exomes 0.00008.

Submissions (2):

Labcorp Genetics (formerly Invitae), Labcorp
Classification: Uncertain significance for Vici syndrome. Last evaluated: 2024-12-02. Review status: criteria provided, single submitter. Criteria: Invitae Variant Classification Sherloc (09022015). Collection method: clinical testing. Allele origin: germline.
Comment: This sequence change replaces arginine, which is basic and polar, with glycine, which is neutral and non-polar, at codon 110 of the EPG5 protein (p.Arg110Gly). This variant is present in population databases (rs761327582, gnomAD 0.06%). This variant has not been reported in the literature in individuals affected with EPG5-related conditions. ClinVar contains an entry for this variant (Variation ID: 664038). Invitae Evidence Modeling of protein sequence and biophysical properties (such as structural, functional, and spatial information, amino acid conservation, physicochemical variation, residue mobility, and thermodynamic stability) indicates that this missense variant is not expected to disrupt EPG5 protein function with a negative predictive value of 80%. In summary, the available evidence is currently insufficient to determine the role of this variant in disease. Therefore, it has been classified as a Variant of Uncertain Significance.

Ambry Genetics
Classification: Uncertain significance for Inborn genetic diseases. Last evaluated: 2024-04-04. Review status: criteria provided, single submitter. Criteria: Ambry Variant Classification Scheme 2023. Collection method: clinical testing. Allele origin: germline.